The following is an entry in ClinVar:

ClinVar aggregate classification (germline): Uncertain significance. Review status: criteria provided, multiple submitters, no conflicts (2 of 4 stars). 2 submissions from 2 submitters: Uncertain significance (2). Last evaluated 2024-12-11.

Conditions:
Epileptic encephalopathy. Identifiers: MedGen C0543888, HP:0200134.

Allele frequency attached by ClinVar (database versions not stated): gnomAD exomes below 0.00001.

Submissions (2):

GeneDx
Classification: Uncertain significance. Last evaluated: 2024-12-11. Review status: criteria provided, single submitter. Criteria: GeneDx Variant Classification Process June 2021. Collection method: clinical testing. Allele origin: germline. Affected: yes.
Comment: Not observed at significant frequency in large population cohorts (gnomAD); In silico analysis indicates that this missense variant does not alter protein structure/function; Has not been previously published as pathogenic or benign to our knowledge

Labcorp Genetics (formerly Invitae), Labcorp
Classification: Uncertain significance for Epileptic encephalopathy. Last evaluated: 2024-03-12. Review status: criteria provided, single submitter. Criteria: Invitae Variant Classification Sherloc (09022015). Collection method: clinical testing. Allele origin: germline.
Comment: This sequence change replaces proline, which is neutral and non-polar, with serine, which is neutral and polar, at codon 55 of the GABBR2 protein (p.Pro55Ser). This variant is not present in population databases (gnomAD no frequency). This variant has not been reported in the literature in individuals affected with GABBR2-related conditions. ClinVar contains an entry for this variant (Variation ID: 2010256). Advanced modeling of protein sequence and biophysical properties (such as structural, functional, and spatial information, amino acid conservation, physicochemical variation, residue mobility, and thermodynamic stability) performed at Invitae indicates that this missense variant is not expected to disrupt GABBR2 protein function with a negative predictive value of 80%. In summary, the available evidence is currently insufficient to determine the role of this variant in disease. Therefore, it has been classified as a Variant of Uncertain Significance.

NM_005458.8(GABBR2):c.163C>T (p.Pro55Ser)

Gene: GABBR2 (gamma-aminobutyric acid type B receptor subunit 2; minus strand). Cytogenetic location: 9q22.33.
Variant type: single nucleotide variant.
Coding change: c.163C>T on transcript NM_005458.8 (MANE Select); coding-DNA position 163, C replaced by T.
Protein change: p.Pro55Ser; replaces proline 55 with serine.
Molecular consequence: missense variant.
Genome position (GRCh38, 1-based): chr9:98,708,575, G>A on the plus strand (C>T on the coding strand, the complement: GABBR2 is on the minus strand). VCF-style: chr9-98708575-G-A. GRCh37 (hg19) VCF-style: chr9-101470857-G-A.
Other names: c.163C>T (NM_005458.7); short protein forms P55S.
Identifiers: ClinVar variation 2010256 (VCV002010256.5), dbSNP rs2490288447, ClinGen allele CA374212720.